The following is an entry in ClinVar:

NM_000487.6(ARSA):c.1492dup (p.Arg498fs)

Gene: ARSA (arylsulfatase A; minus strand). Cytogenetic location: 22q13.33.
Variant type: Duplication.
Coding change: c.1492dup on transcript NM_000487.6 (MANE Select); coding-DNA position 1492, one base duplicated (C; older notation c.1492dupC).
Protein change: p.Arg498fs; shifts the reading frame from arginine 498.
Molecular consequence: frameshift variant.
Genome position (GRCh38, 1-based): chr22:50,625,183, G duplicated on the plus strand (C on the coding strand, the reverse complement: ARSA is on the minus strand); the first of 6 consecutive G bases (chr22:50,625,183-50,625,188); duplicating any one gives the same sequence. VCF-style (leftmost placement, unchanged base first): chr22-50625182-C-CG. GRCh37 (hg19) VCF-style: chr22-51063610-C-CG.
Other names: c.1492dupC (NM_000487.6); c.1492dup, p.Arg498fs (NM_001085425.3, NM_001085426.3, NM_001085427.3); c.1234dup, p.Arg412fs (NM_001085428.3, NM_001362782.2); c.1492dup (NM_000487.5); short protein forms R498fs, R412fs.
Identifiers: ClinVar variation 371650 (VCV000371650.21), dbSNP rs774153480, ClinGen allele CA10324718.
Genomic context (GRCh38, chr22:50,625,182, plus strand): 5'-TGCCCAGGCCAGCCGAGGGGCCCTCAGGCATGGGGATCTGGGCAATGGCAGCAAGCTGGG[C>CG]GGGGGGTGCAGCCAGGATGACAGCAGATCTGCAGGGCGGGGTCCTCGCCCCGGGCCACCT-3'

ClinVar aggregate classification (germline): Pathogenic/Likely pathogenic. Review status: criteria provided, multiple submitters, no conflicts (2 of 4 stars). 8 submissions from 8 submitters: Pathogenic (3); Likely pathogenic (4). 1 of the submissions does not count toward it. Last evaluated 2025-10-16.

Conditions:
Metachromatic leukodystrophy (MLD). Also called: ARSA DEFICIENCY; CEREBROSIDE SULFATASE DEFICIENCY; Cerebral sclerosis diffuse metachromatic form; Arylsulfatase A Deficiency; METACHROMATIC LEUKOENCEPHALOPATHY; SULFATIDE LIPIDOSIS. Identifiers: Orphanet 512, MedGen C0023522, MONDO:0018868, OMIM 250100.

Submissions (8):

Labcorp Genetics (formerly Invitae), Labcorp
Classification: Pathogenic for Metachromatic leukodystrophy. Last evaluated: 2025-10-16. Review status: criteria provided, single submitter. Criteria: Invitae Variant Classification Sherloc (09022015). Collection method: clinical testing. Allele origin: germline.
Comment: This sequence change is expected to alter the c-terminus of the ARSA protein (p.Arg498Profs*75). While this is not anticipated to result in nonsense mediated decay, it is expected to disrupt the last 12 amino acid(s) of the ARSA protein and extend the protein by 62 additional amino acid residues. The frequency data for this variant in the population databases is considered unreliable, as metrics indicate poor data quality at this position in the gnomAD database. This frameshift has been observed in individual(s) with metachromatic leukodystrophy (PMID: 19021637, 26462614). In at least one individual the data is consistent with being in trans (on the opposite chromosome) from a pathogenic variant. This variant is also known as g.2590_2591dupC. ClinVar contains an entry for this variant (Variation ID: 371650). Algorithms developed to predict the effect of variants on gene product structure and function are not available or were not evaluated for this variant. Experimental studies have shown that this frameshift affects ARSA function (PMID: 19021637). For these reasons, this variant has been classified as Pathogenic.

Natera, Inc.
Classification: Likely pathogenic for Metachromatic leukodystrophy. Last evaluated: 2025-03-04. Review status: criteria provided, single submitter. Criteria: Natera Variant Classification Schema (03/2026). Collection method: clinical testing. Allele origin: germline.
Comment: The c.1492dupC variant in ARSA is a frameshift variant predicted to elongate the protein beyond the termination codon. This variant may result in a truncated or dysfunctional protein product. This variant is rare in the general population with a frequency below the threshold expected for the associated phenotype(s). This variant has been observed in one or more individuals affected with the associated recessive disease, as either homozygous or compound heterozygous with a second variant (PMID: 19021637, 26462614). Functional studies show that this variant may disrupt protein function (PMID: 19021637). Given the available evidence, this variant is classified as Likely Pathogenic.

Fulgent Genetics
Classification: Likely pathogenic for Metachromatic leukodystrophy. Last evaluated: 2024-02-02. Review status: criteria provided, single submitter. Criteria: ACMG Guidelines, 2015. Collection method: clinical testing. Allele origin: germline.

Genetic Services Laboratory, University of Chicago
Classification: Likely pathogenic. Last evaluated: 2019-02-04. Review status: criteria provided, single submitter. Criteria: ACMG Guidelines, 2015. Collection method: clinical testing. Allele origin: germline. Affected: yes.
Comment: DNA sequence analysis of the ARSA gene demonstrated a one base pair duplication in exon 8, c.1492dup. This duplication is predicted to result in an amino acid frameshift and creates a premature stop codon 74 amino acids downstream of the variant, p.Arg498Profs*75. This sequence change is predicted to result in an abnormal transcript, which may be degraded, or may lead to the production of a truncated ARSA protein with potentially abnormal function. While this duplication has not been previously described in the literature, other duplications and deletions in the exon 8 of the ARSA gene have been described in patients with ARSA-related disorders. The c.1492dup sequence change has been described in the gnomAD database with a low population frequency of 0.00047%(dbSNP rs774153480).

Women's Health and Genetics/Laboratory Corporation of America, LabCorp
Classification: Likely pathogenic for Metachromatic leukodystrophy. Last evaluated: 2018-12-20. Review status: criteria provided, single submitter. Criteria: LabCorp Variant Classification Summary - May 2015. Collection method: clinical testing. Allele origin: germline.
Comment: Variant summary: ARSA c.1492dupC (p.Arg498ProfsX75) causes a frameshift which results in an extension of the protein. The variant allele was found at a frequency of 4.7e-06 in 214108 control chromosomes. c.1492dupC has been reported in the literature in two related individuals affected with Metachromatic Leukodystrophy (Lugowska_2009). These data indicate that the variant may be associated with disease. At least one publication reports experimental evidence evaluating an impact on protein function. The most pronounced variant effect results in 10% of normal activity (Lugowska_2009). One clinical diagnostic laboratory has submitted clinical-significance assessments for this variant to ClinVar after 2014 without evidence for independent evaluation and classified the variant as likely pathogenic. Based on the evidence outlined above, the variant was classified as likely pathogenic.

Kariminejad - Najmabadi Pathology & Genetics Center
Classification: Pathogenic for Metachromatic leukodystrophy. Review status: criteria provided, single submitter. Criteria: ACMG Guidelines, 2015. Collection method: clinical testing. Allele origin: germline. Affected: no.

Suma Genomics
Classification: Pathogenic for Metachromatic leukodystrophy. Review status: criteria provided, single submitter. Criteria: ACMG Guidelines, 2015. Collection method: clinical testing. Allele origin: inherited. Inheritance: Autosomal recessive inheritance. Affected: yes.

Counsyl
Classification: Likely pathogenic for Metachromatic leukodystrophy. Last evaluated: 2016-11-08. Review status: no assertion criteria provided. Collection method: clinical testing. Allele origin: unknown. Not counted in ClinVar's aggregate classification.

Literature cited by the submitters: PubMed 19021637 (cited by 4 submitters); PubMed 26462614 (cited by Labcorp Genetics (formerly Invitae), Labcorp and Natera, Inc.); PubMed 23208745 (cited by Counsyl); PubMed 20339381 (cited by Counsyl).